The following is an entry in ClinVar:

ClinVar aggregate classification (germline): Pathogenic (1 of 4 stars; one submission).

Conditions:
Bethlem myopathy 1A. Also called: MYOPATHY, BENIGN CONGENITAL, WITH CONTRACTURES; Bethlem Muscular Dystrophy; Bethlem myopathy 1. Identifiers: Orphanet 610, MedGen CN029274, MONDO:0024530, OMIM 158810.

Allele frequency attached by ClinVar (database versions not stated): ExAC 0.00001; gnomAD exomes below 0.00001.
gnomAD v4.1: 2 of 1,614,204 alleles (0.00012%); highest among the groups gnomAD compares: Non-Finnish European, 0.000085%; no homozygotes.

Submission:

Labcorp Genetics (formerly Invitae), Labcorp
Classification: Pathogenic for Bethlem myopathy 1A. Last evaluated: 2022-06-27. Review status: criteria provided, single submitter. Criteria: Invitae Variant Classification Sherloc (09022015). Collection method: clinical testing. Allele origin: germline.
Comment: This variant is present in population databases (rs767654047, gnomAD 0.0009%). This sequence change creates a premature translational stop signal (p.Glu289*) in the COL6A3 gene. It is expected to result in an absent or disrupted protein product. Loss-of-function variants in COL6A3 are known to be pathogenic (PMID: 26004199). This variant has not been reported in the literature in individuals affected with COL6A3-related conditions. For these reasons, this variant has been classified as Pathogenic.

Literature cited by the submitters: PubMed 26004199.

NM_004369.4(COL6A3):c.865G>T (p.Glu289Ter)

Gene: COL6A3 (collagen type VI alpha 3 chain; minus strand). Cytogenetic location: 2q37.3.
Variant type: single nucleotide variant.
Coding change: c.865G>T on transcript NM_004369.4 (MANE Select); coding-DNA position 865, G replaced by T.
Protein change: p.Glu289Ter; replaces glutamic acid 289 with a stop codon.
Molecular consequence: nonsense. On other transcripts: intron variant (2).
Genome position (GRCh38, 1-based): chr2:237,388,029, C>A on the plus strand (G>T on the coding strand, the complement: COL6A3 is on the minus strand). VCF-style: chr2-237388029-C-A. GRCh37 (hg19) VCF-style: chr2-238296672-C-A.
Other names: c.247G>T, p.Glu83Ter (NM_057165.5, NM_057167.4); c.92-6530G>T (NM_057166.5, NM_057164.5); short protein forms E289*, E83*.
Identifiers: ClinVar variation 1435141 (VCV001435141.6), dbSNP rs767654047, ClinGen allele CA2189761.